The following is an entry in ClinVar:

NM_144573.4(NEXN):c.1021AAG[1] (p.Lys342del)

Gene: NEXN (nexilin F-actin binding protein; plus strand). Cytogenetic location: 1p31.1.
Variant type: Microsatellite.
Coding change: c.1021AAG[1] on transcript NM_144573.4 (MANE Select); one copy of the 3-base unit AAG starting at c.1021; the reference has two copies in a row; one copy, 3 bases deleted.
Protein change: p.Lys342del; deletes lysine 342.
Molecular consequence: inframe deletion. On other transcripts: inframe indel (2).
Genome position (GRCh38, 1-based): chr1:77,929,475-77,929,477, AAG deleted; deleting any 3 consecutive bases within chr1:77,929,472-77,929,477 gives the same sequence; the position shown is the placement nearest the transcript's 3' end. VCF-style (leftmost placement, unchanged base first): chr1-77929471-AAAG-A. GRCh37 (hg19) VCF-style: chr1-78395156-AAAG-A.
Other names: c.829AAG[1], p.Lys278del (NM_001172309.2); c.1021_1023AAG[1], p.Lys342del (NM_144573.3); c.1024_1026delAAG (NM_144573.3); short protein forms K278del, K342del.
Identifiers: ClinVar variation 1767769 (VCV001767769.2), dbSNP rs2523225038, ClinGen allele CA2580611459.

ClinVar aggregate classification (germline): Uncertain significance (1 of 4 stars; one submission).

Conditions:
Cardiovascular phenotype. Identifiers: MedGen CN230736.

Submission:

Ambry Genetics
Classification: Uncertain significance for Cardiovascular phenotype. Last evaluated: 2021-02-09. Review status: criteria provided, single submitter. Criteria: Ambry Variant Classification Scheme 2023. Collection method: clinical testing. Allele origin: germline.
Comment: The c.1024_1026delAAG variant (also known as p.K342del), located in coding exon 8 of the NEXN gene, results from an in-frame AAG deletion at nucleotide positions 1024 to 1026. This results in the in-frame deletion of a lysine at codon 342. This amino acid position is not well conserved in available vertebrate species. In addition, the in silico prediction for this alteration is inconclusive (Choi Y et al. PLoS ONE. 2012; 7(10):e46688). Since supporting evidence is limited at this time, the clinical significance of this alteration remains unclear.